The following is an entry in ClinVar:

ClinVar aggregate classification (germline): Uncertain significance (1 of 4 stars; one submission).

Allele frequency attached by ClinVar (database versions not stated): gnomAD exomes below 0.00001; TOPMed below 0.00001; ExAC 0.00001; gnomAD 0.00001.
gnomAD v4.1: 13 of 1,612,270 alleles (0.00081%); highest among the groups gnomAD compares: African/African-American, 0.0013%; no homozygotes.

Submission:

Labcorp Genetics (formerly Invitae), Labcorp
Classification: Uncertain significance. Last evaluated: 2021-03-18. Review status: criteria provided, single submitter. Criteria: Invitae Variant Classification Sherloc (09022015). Collection method: clinical testing. Allele origin: germline.
Comment: This variant has not been reported in the literature in individuals with CLPX-related conditions. This variant is present in population databases (rs778717290, ExAC 0.002%). This sequence change falls in intron 5 of the CLPX gene. It does not directly change the encoded amino acid sequence of the CLPX protein. It affects a nucleotide within the consensus splice site of the intron. Nucleotide substitutions within the consensus splice site are a relatively common cause of aberrant splicing (PMID: 17576681, 9536098). Experimental studies and prediction algorithms are not available or were not evaluated, and the effect of this variant on mRNA splicing is currently unknown. In summary, the available evidence is currently insufficient to determine the role of this variant in disease. Therefore, it has been classified as a Variant of Uncertain Significance.

Literature cited by the submitters: PubMed 17576681; PubMed 9536098.

NM_006660.5(CLPX):c.673+4G>A

Gene: CLPX (caseinolytic mitochondrial matrix peptidase chaperone subunit X; minus strand). Cytogenetic location: 15q22.31.
Variant type: single nucleotide variant.
Coding change: c.673+4G>A on transcript NM_006660.5 (MANE Select); 4 bases into the intron after coding-DNA position 673, G replaced by A.
Molecular consequence: intron variant.
Genome position (GRCh38, 1-based): chr15:65,164,025, C>T on the plus strand (G>A on the coding strand, the complement: CLPX is on the minus strand). VCF-style: chr15-65164025-C-T. GRCh37 (hg19) VCF-style: chr15-65456363-C-T.
Identifiers: ClinVar variation 1517427 (VCV001517427.6), dbSNP rs778717290, ClinGen allele CA7614845.